The following is an entry in ClinVar:

ClinVar aggregate classification (germline): Conflicting classifications of pathogenicity. Review status: criteria provided, conflicting classifications (1 of 4 stars). 2 submissions from 2 submitters: Uncertain significance (1); Likely benign (1). Last evaluated 2026-05-11.

Conditions:
Retinitis pigmentosa 60 (RP60). Also called: PRPF 6-Related Retinitis Pigmentosa. Identifiers: Orphanet 791, MedGen C3151434, MONDO:0013516, OMIM 613983.

Allele frequency attached by ClinVar (database versions not stated): gnomAD 0.00001; TOPMed 0.00001; ExAC 0.00002; gnomAD exomes 0.00001.
gnomAD v4.1: 12 of 1,614,000 alleles (0.00074%); highest among the groups gnomAD compares: African/African-American, 0.004%; no homozygotes.

Submissions (2):

Centre for Medical Genetics,  Mumbai
Classification: Likely benign for Retinitis pigmentosa 60. Last evaluated: 2026-05-11. Review status: criteria provided, single submitter. Criteria: ACMG Guidelines, 2015. Collection method: provider interpretation. Allele origin: germline. Inheritance: Autosomal dominant inheritance. Affected: no. Observed: 1 variant allele, 1 heterozygote.
Comment: The variant satisfies PM2 criteria - extremely low frequency in gnomAD population databases. The variant satisfies PP2 criteria - missense variant in a gene with low rate of benign missense mutations and for which missense mutation is a common mechanism of a disease. However, the variant satisfies BS2 criteria - present in heterozygous state in an individual that clinically does not have Retinitis pigmentosa

Labcorp Genetics (formerly Invitae), Labcorp
Classification: Uncertain significance. Last evaluated: 2025-12-01. Review status: criteria provided, single submitter. Criteria: Invitae Variant Classification Sherloc (09022015). Collection method: clinical testing. Allele origin: germline.
Comment: This sequence change replaces glycine, which is neutral and non-polar, with arginine, which is basic and polar, at codon 194 of the PRPF6 protein (p.Gly194Arg). This variant is present in population databases (rs767880837, gnomAD 0.003%). This variant has not been reported in the literature in individuals affected with PRPF6-related conditions. ClinVar contains an entry for this variant (Variation ID: 2981016). Invitae Evidence Modeling of protein sequence and biophysical properties (such as structural, functional, and spatial information, amino acid conservation, physicochemical variation, residue mobility, and thermodynamic stability) indicates that this missense variant is not expected to disrupt PRPF6 protein function with a negative predictive value of 80%. In summary, the available evidence is currently insufficient to determine the role of this variant in disease. Therefore, it has been classified as a Variant of Uncertain Significance.

Literature cited by the submitters: PubMed 21549338 (cited by Centre for Medical Genetics,  Mumbai).

NM_012469.4(PRPF6):c.580G>A (p.Gly194Arg)

Gene: PRPF6 (pre-mRNA processing factor 6; plus strand). Cytogenetic location: 20q13.33.
Variant type: single nucleotide variant.
Coding change: c.580G>A on transcript NM_012469.4 (MANE Select); coding-DNA position 580, G replaced by A.
Protein change: p.Gly194Arg; replaces glycine 194 with arginine.
Molecular consequence: missense variant.
Genome position (GRCh38, 1-based): chr20:63,995,057, G>A. VCF-style: chr20-63995057-G-A. GRCh37 (hg19) VCF-style: chr20-62626410-G-A.
Other names: short protein forms G194R.
Identifiers: ClinVar variation 2981016 (VCV002981016.4), dbSNP rs767880837, ClinGen allele CA9971937.